The following is an entry in ClinVar:

NM_025144.4(ALPK1):c.2731G>C (p.Gly911Arg)

Gene: ALPK1 (alpha kinase 1; plus strand). Cytogenetic location: 4q25.
Variant type: single nucleotide variant.
Coding change: c.2731G>C on transcript NM_025144.4 (MANE Select); coding-DNA position 2731, G replaced by C.
Protein change: p.Gly911Arg; replaces glycine 911 with arginine.
Molecular consequence: missense variant.
Genome position (GRCh38, 1-based): chr4:112,432,278, G>C. VCF-style: chr4-112432278-G-C. GRCh37 (hg19) VCF-style: chr4-113353434-G-C.
Other names: c.2731G>C, p.Gly911Arg (NM_001102406.2); c.2497G>C, p.Gly833Arg (NM_001253884.2); c.2731G>C (NM_025144.3); short protein forms G833R, G911R.
Identifiers: ClinVar variation 1902089 (VCV001902089.6), dbSNP rs768737680, ClinGen allele CA3046979.

ClinVar aggregate classification (germline): Uncertain significance. Review status: criteria provided, multiple submitters, no conflicts (2 of 4 stars). 2 submissions from 2 submitters: Uncertain significance (2). Last evaluated 2025-08-04.

Conditions:
Inborn genetic diseases. Identifiers: MedGen C0950123, MeSH D030342.

Allele frequency attached by ClinVar (database versions not stated): gnomAD 0.00001; ExAC 0.00002; gnomAD exomes 0.00002; TOPMed 0.00002.
gnomAD v4.1: 31 of 1,614,082 alleles (0.0019%); highest among the groups gnomAD compares: Non-Finnish European, 0.0023%; no homozygotes.

Submissions (2):

Ambry Genetics
Classification: Uncertain significance for Inborn genetic diseases. Last evaluated: 2025-08-04. Review status: criteria provided, single submitter. Criteria: Ambry Variant Classification Scheme 2023. Collection method: clinical testing. Allele origin: germline.

Labcorp Genetics (formerly Invitae), Labcorp
Classification: Uncertain significance. Last evaluated: 2023-01-17. Review status: criteria provided, single submitter. Criteria: Invitae Variant Classification Sherloc (09022015). Collection method: clinical testing. Allele origin: germline.
Comment: Advanced modeling of protein sequence and biophysical properties (such as structural, functional, and spatial information, amino acid conservation, physicochemical variation, residue mobility, and thermodynamic stability) performed at Invitae indicates that this missense variant is not expected to disrupt ALPK1 protein function. In summary, the available evidence is currently insufficient to determine the role of this variant in disease. Therefore, it has been classified as a Variant of Uncertain Significance. This variant has not been reported in the literature in individuals affected with ALPK1-related conditions. This variant is present in population databases (rs768737680, gnomAD 0.005%). This sequence change replaces glycine, which is neutral and non-polar, with arginine, which is basic and polar, at codon 911 of the ALPK1 protein (p.Gly911Arg).